The following is an entry in ClinVar:

NM_000399.5(EGR2):c.1063G>A (p.Asp355Asn)

Gene: EGR2 (early growth response 2; minus strand). Cytogenetic location: 10q21.3.
Variant type: single nucleotide variant.
Coding change: c.1063G>A on transcript NM_000399.5 (MANE Select); coding-DNA position 1063, G replaced by A.
Protein change: p.Asp355Asn; replaces aspartic acid 355 with asparagine.
Molecular consequence: missense variant.
Genome position (GRCh38, 1-based): chr10:62,813,575, C>T on the plus strand (G>A on the coding strand, the complement: EGR2 is on the minus strand). VCF-style: chr10-62813575-C-T. GRCh37 (hg19) VCF-style: chr10-64573335-C-T.
Other names: c.1063G>A, p.Asp355Asn (NM_001136177.3, NM_001136178.2); c.913G>A, p.Asp305Asn (NM_001136179.3, NM_001321037.2); c.1102G>A, p.Asp368Asn (NM_001410931.1); short protein forms D355N, D305N, D368N.
Identifiers: ClinVar variation 4994581 (VCV004994581.1).

ClinVar aggregate classification (germline): Uncertain significance (1 of 4 stars; one submission).

Conditions:
EGR2-related disorder. Also called: EGR2-related condition.

Submission:

PreventionGenetics, part of Exact Sciences
Classification: Uncertain significance for EGR2-related condition. Last evaluated: 2026-02-16. Review status: criteria provided, single submitter. Criteria: ACMG Guidelines, 2015. Collection method: clinical testing. Allele origin: germline.
Comment: The EGR2 c.1063G>A variant is predicted to result in the amino acid substitution p.Asp355Asn. This variant was reported in an individual with axonal Charcot-Marie-Tooth disease (Chu et al., 2022. PubMed ID: 35770518). An alternate missense variant (c.1064A>G, p.Asp355Gly) affecting this amino acid was detected in an individual with hereditary motor and sensory polyneuropathy (Wang. 2016. PubMed ID: 27164712). Another alternate missense variant (c.1065C>A, p.Asp355Glu) was detected in an individual with an EGR2-related neuropathy (Echaniz-Laguna. 2023. PubMed ID: 37306961) and in an individual with Charcot-Marie-Tooth disease (Nam et al. 2025. DOI: 10.18214/jend.2024.00094). Another alternate missense variant (c.1064A>T, p.Asp355Val) was detected in an individual with Charcot-Marie-Tooth disease type 1 (Bellone. 1999. PubMed ID: 10502832). In a functional assay, this alternate variant (c.1064A>T, p.Asp355Val) reduced DNA binding activity by threefold and decreased the ability of EGR2 to bind to the Cx32 promoter by 10-fold (Musso et al. 2001. PubMed ID: 11493034). This variant has not been reported in a large population database (gnomAD), indicating this variant is rare. Although we suspect that this variant may be pathogenic, at this time, the clinical significance of this variant is uncertain due to the absence of conclusive functional and genetic evidence.